The following is an entry in ClinVar:

ClinVar aggregate classification (germline): Likely benign (1 of 4 stars; one submission).

Allele frequency attached by ClinVar (database versions not stated): ESP Exome Variant Server 0.00042; 1000 Genomes Project 30x 0.00062; 1000 Genomes Project 0.00080.
gnomAD v4.1: 1,608 of 1,585,938 alleles (0.1%); highest among the groups gnomAD compares: Non-Finnish European, 0.12%; 2 homozygotes.

Submission:

CeGaT Center for Human Genetics Tuebingen
Classification: Likely benign. Last evaluated: 2026-06-01. Review status: criteria provided, single submitter. Criteria: CeGaT Center For Human Genetics Tuebingen Variant Classification Criteria Version 2. Collection method: clinical testing. Allele origin: germline. Affected: yes. Observed: 2 variant alleles.
Comment: SOCS7: BP4, BP7

NM_014598.4(SOCS7):c.975G>A (p.Ala325=)

Gene: SOCS7 (suppressor of cytokine signaling 7; plus strand). Cytogenetic location: 17q12.
Variant type: single nucleotide variant.
Coding change: c.975G>A on transcript NM_014598.4 (MANE Select); coding-DNA position 975, G replaced by A.
Protein change: p.Ala325=; no amino-acid change (alanine 325 retained).
Molecular consequence: synonymous variant.
Genome position (GRCh38, 1-based): chr17:38,353,027, G>A. VCF-style: chr17-38353027-G-A. GRCh37 (hg19) VCF-style: chr17-36508910-G-A.
Identifiers: ClinVar variation 2647698 (VCV002647698.24), dbSNP rs375541134, ClinGen allele CA290117041.